The following is an entry in ClinVar:

ClinVar aggregate classification (germline): Conflicting classifications of pathogenicity. Review status: criteria provided, conflicting classifications (1 of 4 stars). 3 submissions from 3 submitters: Uncertain significance (1); Likely benign (1). 1 of the submissions does not count toward it. Last evaluated 2024-03-01.

Conditions:
Hyperimmunoglobulin D with periodic fever (HIDS). Also called: Hyperimmunoglobulinemia D; Hyperimmunoglobulinemia D with periodic fever; HYPERIMMUNOGLOBULINEMIA D AND PERIODIC FEVER SYNDROME. Identifiers: Orphanet 343, MedGen C0398691, MONDO:0009849, OMIM 260920.
Mevalonic aciduria (MEVA). Identifiers: Orphanet 29, MedGen C1959626, MONDO:0012481, OMIM 610377.
Porokeratosis 3, disseminated superficial actinic type (POROK3). Also called: POROKERATOSIS 3, MULTIPLE TYPES; POROKERATOSIS 3, MIBELLI TYPE; POROKERATOSIS, DISSEMINATED SUPERFICIAL ACTINIC, 1. Identifiers: MedGen C1867981, MONDO:0008293, OMIM 175900.

Allele frequency attached by ClinVar (database versions not stated): gnomAD 0.00001; gnomAD exomes 0.00001 and 0.00005; TOPMed 0.00001; ExAC 0.00002.
gnomAD v4.1: 24 of 1,614,058 alleles (0.0015%); highest among the groups gnomAD compares: East Asian, 0.042%; no homozygotes.

Submissions (3):

Labcorp Genetics (formerly Invitae), Labcorp
Classification: Likely benign for Mevalonic aciduria; Hyperimmunoglobulin D with periodic fever; Porokeratosis 3, disseminated superficial actinic type. Last evaluated: 2024-03-01. Review status: criteria provided, single submitter. Criteria: Invitae Variant Classification Sherloc (09022015). Collection method: clinical testing. Allele origin: germline.

ARUP Laboratories, Molecular Genetics and Genomics, ARUP Laboratories
Classification: Uncertain significance. Last evaluated: 2018-11-14. Review status: criteria provided, single submitter. Criteria: ARUP Molecular Germline Variant Investigation Process. Collection method: clinical testing. Allele origin: germline.
Comment: The MVK c.945G>A; p.Leu315Leu variant (rs752469036), to our knowledge, is not reported in the medical literature or gene-specific databases. The variant is present in the East Asian population with an allele frequency of 0.07% (12/18392 alleles) in the Genome Aggregation Database. This is a synonymous variant in a moderately conserved nucleotide, and computational analyses (Alamut v.2.11) predict that this variant may impact splicing by creating a novel cryptic acceptor splice site. Considering available information, the clinical significance of this variant cannot be determined.

Molecular Genetics Laboratory, BC Children's and BC Women's Hospitals
Classification: Likely benign for Hyperimmunoglobulin D with periodic fever. Last evaluated: 2023-09-29. Review status: no assertion criteria provided. Criteria: ACMG Guidelines, 2015. Collection method: clinical testing. Allele origin: germline. Affected: yes. Not counted in ClinVar's aggregate classification.

NM_000431.4(MVK):c.945G>A (p.Leu315=)

Gene: MVK (mevalonate kinase; plus strand). Cytogenetic location: 12q24.11.
Variant type: single nucleotide variant.
Coding change: c.945G>A on transcript NM_000431.4 (MANE Select); coding-DNA position 945, G replaced by A.
Protein change: p.Leu315=; no amino-acid change (leucine 315 retained).
Molecular consequence: synonymous variant.
Genome position (GRCh38, 1-based): chr12:109,595,087, G>A. VCF-style: chr12-109595087-G-A. GRCh37 (hg19) VCF-style: chr12-110032892-G-A.
Other names: c.945G>A, p.Leu315= (NM_001114185.3); c.789G>A, p.Leu263= (NM_001301182.2); c.945G>A (NM_000431.2).
Identifiers: ClinVar variation 811196 (VCV000811196.17), dbSNP rs752469036, ClinGen allele CA6779423.